The following is an entry in ClinVar:

ClinVar aggregate classification (germline): Uncertain significance. Review status: criteria provided, multiple submitters, no conflicts (2 of 4 stars). 3 submissions from 3 submitters: Uncertain significance (3). Last evaluated 2025-01-13.

Conditions:
Familial cold autoinflammatory syndrome 3 (FCAS3). Also called: FAMILIAL ATYPICAL COLD URTICARIA; ANTIBODY DEFICIENCY AND IMMUNE DYSREGULATION, PLCG2-ASSOCIATED. Identifiers: Orphanet 300359, MedGen C3280914, MONDO:0013766, OMIM 614468.
Autoinflammation-PLCG2-associated antibody deficiency-immune dysregulation. Also called: Autoinflammation, antibody deficiency, and immune dysregulation, plcg2-associated; Autoinflammation, antibody deficiency, and immune dysregulation syndrome; AUTOINFLAMMATION, ANTIBODY DEFICIENCY, AND IMMUNE DYSREGULATION. Identifiers: Orphanet 324530, MedGen C3553961, MONDO:0013944, OMIM 614878.

Allele frequency attached by ClinVar (database versions not stated): ExAC 0.00003; gnomAD 0.00005 and 0.00006; gnomAD exomes 0.00005 and 0.00013; TOPMed 0.00009.
gnomAD v4.1: 193 of 1,613,330 alleles (0.012%); highest among the groups gnomAD compares: Middle Eastern, 0.033%; 1 homozygote.

Submissions (3):

Labcorp Genetics (formerly Invitae), Labcorp
Classification: Uncertain significance for Familial cold autoinflammatory syndrome 3. Last evaluated: 2025-01-13. Review status: criteria provided, single submitter. Criteria: Invitae Variant Classification Sherloc (09022015). Collection method: clinical testing. Allele origin: germline.
Comment: This sequence change replaces leucine, which is neutral and non-polar, with valine, which is neutral and non-polar, at codon 795 of the PLCG2 protein (p.Leu795Val). This variant is present in population databases (rs748644186, gnomAD 0.008%). This variant has not been reported in the literature in individuals affected with PLCG2-related conditions. ClinVar contains an entry for this variant (Variation ID: 1162795). An algorithm developed to predict the effect of missense changes on protein structure and function (PolyPhen-2) suggests that this variant is likely to be disruptive. In summary, the available evidence is currently insufficient to determine the role of this variant in disease. Therefore, it has been classified as a Variant of Uncertain Significance.

Fulgent Genetics
Classification: Uncertain significance for Familial cold autoinflammatory syndrome 3; Autoinflammation-PLCG2-associated antibody deficiency-immune dysregulation. Last evaluated: 2022-04-21. Review status: criteria provided, single submitter. Criteria: ACMG Guidelines, 2015. Collection method: clinical testing. Allele origin: unknown.

Mayo Clinic Laboratories, Mayo Clinic
Classification: Uncertain significance. Last evaluated: 2020-09-15. Review status: criteria provided, single submitter. Criteria: ACMG Guidelines, 2015. Collection method: clinical testing. Allele origin: germline. Observed: 1 variant allele.

NM_002661.5(PLCG2):c.2383C>G (p.Leu795Val)

Gene: PLCG2 (phospholipase C gamma 2; plus strand). Cytogenetic location: 16q23.3.
Variant type: single nucleotide variant.
Coding change: c.2383C>G on transcript NM_002661.5 (MANE Select); coding-DNA position 2383, C replaced by G.
Protein change: p.Leu795Val; replaces leucine 795 with valine.
Molecular consequence: missense variant.
Genome position (GRCh38, 1-based): chr16:81,923,560, C>G. VCF-style: chr16-81923560-C-G. GRCh37 (hg19) VCF-style: chr16-81957165-C-G.
Other names: short protein forms L795V.
Identifiers: ClinVar variation 1162795 (VCV001162795.11), dbSNP rs748644186, ClinGen allele CA8194236.
Genomic context (GRCh38, chr16:81,923,560, plus strand): 5'-AAAGCTCTGTATGACTACAAAGCCAAGCGAAGCGATGAGCTGAGCTTCTGCCGTGGTGCC[C>G]TCATCCACAATGTCTCCAAGGAGCCCGGGGGCTGGTAAGGCTGAGTGGAGGCTGGGCTGC-3'
Protein context (NP_002652.2, residues 785-805): SDELSFCRGA[Leu795Val]IHNVSKEPGG